The following is an entry in ClinVar:

ClinVar aggregate classification (germline): Pathogenic/Likely pathogenic. Review status: criteria provided, multiple submitters, no conflicts (2 of 4 stars). 2 submissions from 2 submitters: Pathogenic (1); Likely pathogenic (1). Last evaluated 2024-11-14.

Conditions:
Hermansky-Pudlak syndrome (HPS). Also called: ALBINISM WITH HEMORRHAGIC DIATHESIS AND PIGMENTED RETICULOENDOTHELIAL CELLS. Identifiers: Orphanet 79430, MedGen C0079504, MONDO:0019312.

Submissions (2):

Labcorp Genetics (formerly Invitae), Labcorp
Classification: Pathogenic. Last evaluated: 2024-11-14. Review status: criteria provided, single submitter. Criteria: Invitae Variant Classification Sherloc (09022015). Collection method: clinical testing. Allele origin: germline.
Comment: This sequence change creates a premature translational stop signal (p.Met150Alafs*12) in the DTNBP1 gene. It is expected to result in an absent or disrupted protein product. Loss-of-function variants in DTNBP1 are known to be pathogenic (PMID: 12923531, 23364359). This variant is present in population databases (rs746781620, gnomAD 0.004%). This variant has not been reported in the literature in individuals affected with DTNBP1-related conditions. For these reasons, this variant has been classified as Pathogenic.

Women's Health and Genetics/Laboratory Corporation of America, LabCorp
Classification: Likely pathogenic for Hermansky-Pudlak syndrome. Last evaluated: 2022-07-27. Review status: criteria provided, single submitter. Criteria: LabCorp Variant Classification Summary - May 2015. Collection method: clinical testing. Allele origin: germline.
Comment: Variant summary: DTNBP1 c.448_449delAT (p.Met150AlafsX12) results in a premature termination codon, predicted to cause a truncation of the encoded protein or absence of the protein due to nonsense mediated decay, which are commonly known mechanisms for disease. The variant allele was found at a frequency of 1.6e-05 in 251416 control chromosomes (gnomAD). To our knowledge, no occurrence of c.448_449delAT in individuals affected with Hermansky-Pudlak Syndrome and no experimental evidence demonstrating its impact on protein function have been reported. No clinical diagnostic laboratories have submitted clinical-significance assessments for this variant to ClinVar after 2014. Based on the evidence outlined above, the variant was classified as likely pathogenic.

Literature cited by the submitters: PubMed 12923531 (cited by Labcorp Genetics (formerly Invitae), Labcorp); PubMed 23364359 (cited by Labcorp Genetics (formerly Invitae), Labcorp).

NM_032122.5(DTNBP1):c.448_449del (p.Met150fs)

Gene: DTNBP1 (dystrobrevin binding protein 1; minus strand). Cytogenetic location: 6p22.3.
Variant type: Microsatellite.
Coding change: c.448_449del on transcript NM_032122.5 (MANE Select); coding-DNA positions 448 to 449, 2 bases deleted (AT; older notation c.448_449delAT).
Protein change: p.Met150fs; shifts the reading frame from methionine 150.
Molecular consequence: frameshift variant. On other transcripts: non-coding transcript variant (1).
Genome position (GRCh38, 1-based): chr6:15,615,306-15,615,307, AT deleted on the plus strand (AT on the coding strand, the reverse complement: DTNBP1 is on the minus strand); deleting any 2 consecutive bases within chr6:15,615,306-15,615,309 gives the same sequence; the c. name uses the placement nearest the transcript's 3' end. VCF-style (leftmost placement, unchanged base first): chr6-15615305-CAT-C. GRCh37 (hg19) VCF-style: chr6-15615536-CAT-C.
Other names: c.205_206del, p.Met69fs (NM_001271667.2); c.397_398del, p.Met133fs (NM_001271668.2); c.343_344del, p.Met115fs (NM_001271669.2); c.446_447AT[1], p.Met150Alafs (NM_032122.4); c.448_449del, p.Met150fs (NM_183040.2); c.203_204AT[1], p.Met69Alafs (NM_183041.1); c.448_449delAT (NM_032122.4); short protein forms M115fs, M133fs, M69fs, M150fs.
Identifiers: ClinVar variation 1704604 (VCV001704604.3), dbSNP rs746781620, ClinGen allele CA3644130.